The following is an entry in ClinVar:

NM_004621.6(TRPC6):c.171-86G>C

Gene: TRPC6 (transient receptor potential cation channel subfamily C member 6; minus strand). Cytogenetic location: 11q22.1.
Variant type: single nucleotide variant.
Coding change: c.171-86G>C on transcript NM_004621.6 (MANE Select); 86 bases into the intron before coding-DNA position 171, G replaced by C.
Molecular consequence: intron variant.
Genome position (GRCh38, 1-based): chr11:101,504,884, C>G on the plus strand (G>C on the coding strand, the complement: TRPC6 is on the minus strand). VCF-style: chr11-101504884-C-G. GRCh37 (hg19) VCF-style: chr11-101375615-C-G.
Identifiers: ClinVar variation 1261382 (VCV001261382.5), dbSNP rs10501981, ClinGen allele CA16427549.

ClinVar aggregate classification (germline): Benign. Review status: criteria provided, multiple submitters, no conflicts (2 of 4 stars). 3 submissions from 3 submitters: Benign (3). Last evaluated 2024-07-15.

Allele frequency attached by ClinVar (database versions not stated): 1000 Genomes Project 0.40296; TOPMed 0.45962; 1000 Genomes Project 30x 0.40568.
gnomAD v4.1: 644,457 of 1,473,998 alleles (44%); highest among the groups gnomAD compares: African/African-American, 55%; 143,332 homozygotes.

Submissions (3):

Unidad de Genómica Garrahan, Hospital de Pediatría Garrahan
Classification: Benign. Last evaluated: 2024-07-15. Review status: criteria provided, single submitter. Criteria: ACMG Guidelines, 2015. Collection method: clinical testing. Allele origin: germline. Affected: no. Observed: 45 variant alleles.
Comment: This variant is classified as Benign based on local population frequency. This variant was detected in 48% of patients studied in a panel designed for Epileptic and Developmental Encephalopathy and Progressive Myoclonus Epilepsy. Number of patients: 45. Only high quality variants are reported.

GeneDx
Classification: Benign. Last evaluated: 2019-08-20. Review status: criteria provided, single submitter. Criteria: GeneDx Variant Classification Process June 2021. Collection method: clinical testing. Allele origin: germline. Affected: yes.

Breakthrough Genomics
Classification: Benign. Review status: criteria provided, single submitter. Criteria: ACMG Guidelines, 2015. Collection method: not provided. Allele origin: germline. Inheritance: Autosomal dominant inheritance. Affected: yes.